The following is an entry in ClinVar:

NM_000268.4(NF2):c.1341-7C>T

Gene: NF2 (NF2, moesin-ezrin-radixin like (MERLIN) tumor suppressor; plus strand). Cytogenetic location: 22q12.2.
Variant type: single nucleotide variant.
Coding change: c.1341-7C>T on transcript NM_000268.4 (MANE Select); 7 bases into the intron before coding-DNA position 1341, C replaced by T.
Molecular consequence: intron variant.
Genome position (GRCh38, 1-based): chr22:29,674,829, C>T. VCF-style: chr22-29674829-C-T. GRCh37 (hg19) VCF-style: chr22-30070818-C-T.
Other names: c.1341-7C>T (NM_016418.5, NM_181832.3, NM_181825.3); c.448-19923C>T (NM_181833.3); c.1218-7C>T (NM_181829.3); c.1215-7C>T (NM_181828.3); c.1092-7C>T (NM_181830.3, NM_181831.3).
Identifiers: ClinVar variation 703174 (VCV000703174.19), dbSNP rs574718828, ClinGen allele CA029795.

ClinVar aggregate classification (germline): Benign/Likely benign. Review status: criteria provided, multiple submitters, no conflicts (2 of 4 stars). 5 submissions from 5 submitters: Benign (2); Likely benign (3). Last evaluated 2026-03-06.

Conditions:
Neurofibromatosis, type 2 (SWNV). Also called: NF2-Related Schwannomatosis; SCHWANNOMATOSIS, VESTIBULAR; BILATERAL ACOUSTIC NEUROFIBROMATOSIS. Identifiers: Orphanet 637, MedGen C0027832, MONDO:0007039, OMIM 101000. Disease mechanism: loss of function.

Allele frequency attached by ClinVar (database versions not stated): ExAC 0.00117; gnomAD below 0.00001 and 0.00005; 1000 Genomes Project 30x 0.00016; 1000 Genomes Project 0.00020; gnomAD exomes 0.00038.
gnomAD v4.1: 215 of 1,553,682 alleles (0.014%); highest among the groups gnomAD compares: South Asian, 0.25%; 9 homozygotes.

Submissions (5):

Women's Health and Genetics/Laboratory Corporation of America, LabCorp
Classification: Benign. Last evaluated: 2026-03-06. Review status: criteria provided, single submitter. Criteria: LabCorp Variant Classification Summary - May 2015. Collection method: clinical testing. Allele origin: germline.

Labcorp Genetics (formerly Invitae), Labcorp
Classification: Benign for Neurofibromatosis, type 2. Last evaluated: 2025-08-19. Review status: criteria provided, single submitter. Criteria: Invitae Variant Classification Sherloc (09022015). Collection method: clinical testing. Allele origin: germline.

Blueprint Genetics
Classification: Likely benign. Last evaluated: 2023-12-04. Review status: criteria provided, single submitter. Criteria: ACMG Guidelines, 2015. Collection method: clinical testing. Allele origin: germline.

All of Us Research Program, National Institutes of Health
Classification: Likely benign for Neurofibromatosis, type 2. Last evaluated: 2023-05-31. Review status: criteria provided, single submitter. Criteria: ACMG Guidelines, 2015. Collection method: clinical testing. Allele origin: germline. Inheritance: Autosomal dominant inheritance. Observed: 3 variant alleles, 3 heterozygotes.
Comment: This study involves interpretation of variants in research participants for the purpose of population health screening. Participant phenotype was not available at the time of variant classification. Additional details can be found in publication PMID: 35346344, PMCID: PMC8962531

Color Diagnostics, LLC DBA Color Health
Classification: Likely benign for Neurofibromatosis, type 2. Last evaluated: 2022-11-06. Review status: criteria provided, single submitter. Criteria: ACMG Guidelines, 2015. Collection method: clinical testing. Allele origin: germline.